The following is an entry in ClinVar:

NM_000388.4(CASR):c.2702G>A (p.Ser901Asn)

Gene: CASR (calcium sensing receptor; plus strand). Cytogenetic location: 3q21.1.
Variant type: single nucleotide variant.
Coding change: c.2702G>A on transcript NM_000388.4 (MANE Select); coding-DNA position 2702, G replaced by A.
Protein change: p.Ser901Asn; replaces serine 901 with asparagine.
Molecular consequence: missense variant.
Genome position (GRCh38, 1-based): chr3:122,284,656, G>A. VCF-style: chr3-122284656-G-A. GRCh37 (hg19) VCF-style: chr3-122003503-G-A.
Other names: c.2732G>A, p.Ser911Asn (NM_001178065.2); short protein forms S911N, S901N.
Identifiers: ClinVar variation 2948405 (VCV002948405.3), dbSNP rs2473281494, ClinGen allele CA354160586.
Genomic context (GRCh38, chr3:122,284,656, plus strand): 5'-TCAAGGTGGCTGCCCGGGCCACGCTGCGCCGCAGCAACGTCTCCCGCAAGCGGTCCAGCA[G>A]CCTTGGAGGCTCCACGGGATCCACCCCCTCCTCCTCCATCAGCAGCAAGAGCAACAGCGA-3'
Protein context (NP_000379.3, residues 891-911): RSNVSRKRSS[Ser901Asn]LGGSTGSTPS

ClinVar aggregate classification (germline): Uncertain significance (1 of 4 stars; one submission).

Conditions:
Autosomal dominant hypocalcemia 1 (HYPOC1). Also called: HYPOCALCEMIA, FAMILIAL. Identifiers: MedGen C3715128, MONDO:0011013, OMIM 601198.
Familial hypocalciuric hypercalcemia (FHH). Also called: Familial benign hypercalcemia. Identifiers: Orphanet 405, MedGen C1809471, MONDO:0018458.

Submission:

Labcorp Genetics (formerly Invitae), Labcorp
Classification: Uncertain significance for Familial hypocalciuric hypercalcemia; Autosomal dominant hypocalcemia 1. Last evaluated: 2023-05-31. Review status: criteria provided, single submitter. Criteria: Invitae Variant Classification Sherloc (09022015). Collection method: clinical testing. Allele origin: germline.
Comment: In summary, the available evidence is currently insufficient to determine the role of this variant in disease. Therefore, it has been classified as a Variant of Uncertain Significance. An algorithm developed to predict the effect of missense changes on protein structure and function (PolyPhen-2) suggests that this variant is likely to be tolerated. This variant has not been reported in the literature in individuals affected with CASR-related conditions. This variant is not present in population databases (gnomAD no frequency). This sequence change replaces serine, which is neutral and polar, with asparagine, which is neutral and polar, at codon 901 of the CASR protein (p.Ser901Asn).